The following is an entry in ClinVar:

NM_024675.4(PALB2):c.132T>A (p.Ile44=)

Gene: PALB2 (partner and localizer of BRCA2; minus strand). Cytogenetic location: 16p12.2.
Variant type: single nucleotide variant.
Coding change: c.132T>A on transcript NM_024675.4 (MANE Select); coding-DNA position 132, T replaced by A.
Protein change: p.Ile44=; no amino-acid change (isoleucine 44 retained).
Molecular consequence: synonymous variant.
Genome position (GRCh38, 1-based): chr16:23,637,929, A>T on the plus strand (T>A on the coding strand, the complement: PALB2 is on the minus strand). VCF-style: chr16-23637929-A-T. GRCh37 (hg19) VCF-style: chr16-23649250-A-T.
Identifiers: ClinVar variation 830092 (VCV000830092.1), dbSNP rs756856792, ClinGen allele CA494167736.

ClinVar aggregate classification (germline): Uncertain significance (0 of 4 stars; one submission).

Submission:

Leiden Open Variation Database
Classification: Uncertain significance. Last evaluated: 2018-10-10. Review status: no assertion criteria provided. Collection method: curation. Allele origin: germline. Affected: yes.
Comment: Curators: Marc Tischkowitz, Arleen D. Auerbach. Submitter to LOVD: Yukihide Momozawa.

Literature cited by the submitters: PubMed 30287823.